The following is an entry in ClinVar:

ClinVar aggregate classification (germline): Uncertain significance (1 of 4 stars; one submission).

Conditions:
Pheochromocytoma/paraganglioma syndrome 5. Also called: Paragangliomas 5; SDHA-Related Hereditary Paraganglioma-Pheochromocytoma Syndrome. Identifiers: Orphanet 29072, MedGen C3279992, MONDO:0013602, OMIM 614165.
Mitochondrial complex II deficiency, nuclear type 1. Also called: SUCCINATE CoQ REDUCTASE DEFICIENCY. Identifiers: Orphanet 3208, MedGen C5700310, MONDO:0100294, OMIM 252011.

Allele frequency attached by ClinVar (database versions not stated): TOPMed 0.00001.

Submission:

Labcorp Genetics (formerly Invitae), Labcorp
Classification: Uncertain significance for Pheochromocytoma/paraganglioma syndrome 5; Mitochondrial complex II deficiency, nuclear type 1. Last evaluated: 2018-10-01. Review status: criteria provided, single submitter. Criteria: Invitae Variant Classification Sherloc (09022015). Collection method: clinical testing. Allele origin: germline.
Comment: Algorithms developed to predict the effect of missense changes on protein structure and function are either unavailable or do not agree on the potential impact of this missense change (SIFT: "Deleterious"; PolyPhen-2: "Benign"; Align-GVGD: "Class C55"). In summary, the available evidence is currently insufficient to determine the role of this variant in disease. Therefore, it has been classified as a Variant of Uncertain Significance. This variant has not been reported in the literature in individuals with SDHA-related disease. This variant is not present in population databases (ExAC no frequency). This sequence change replaces alanine with glycine at codon 331 of the SDHA protein (p.Ala331Gly). The alanine residue is highly conserved and there is a small physicochemical difference between alanine and glycine.

NM_004168.4(SDHA):c.992C>G (p.Ala331Gly)

Gene: SDHA (succinate dehydrogenase complex flavoprotein subunit A; plus strand). Cytogenetic location: 5p15.33.
Variant type: single nucleotide variant.
Coding change: c.992C>G on transcript NM_004168.4 (MANE Select); coding-DNA position 992, C replaced by G.
Protein change: p.Ala331Gly; replaces alanine 331 with glycine.
Molecular consequence: missense variant.
Genome position (GRCh38, 1-based): chr5:233,573, C>G. VCF-style: chr5-233573-C-G. GRCh37 (hg19) VCF-style: chr5-233688-C-G.
Other names: c.848C>G, p.Ala283Gly (NM_001294332.2); c.992C>G, p.Ala331Gly (NM_001330758.2); short protein forms A283G, A331G.
Identifiers: ClinVar variation 645574 (VCV000645574.9), dbSNP rs1206201147, ClinGen allele CA359012798.